The following is an entry in ClinVar:

ClinVar aggregate classification (germline): Conflicting classifications of pathogenicity. Review status: criteria provided, conflicting classifications (1 of 4 stars). 3 submissions from 3 submitters: Likely pathogenic (1); Likely benign (1). 1 of the submissions does not count toward it. Last evaluated 2025-09-17.

Conditions:
Congenital disorder of glycosylation with defective fucosylation 2 (CDGF2). Identifiers: MedGen C5193028, MONDO:0020777, OMIM 618324.

Allele frequency attached by ClinVar (database versions not stated): 1000 Genomes Project 30x 0.00016; ESP Exome Variant Server 0.00016; 1000 Genomes Project 0.00020; gnomAD 0.00025; TOPMed 0.00032.
gnomAD v4.1: 275 of 1,613,892 alleles (0.017%); highest among the groups gnomAD compares: Middle Eastern, 0.17%; 1 homozygote.

Submissions (3):

First Genomix Gene Laboratory, Genetic Diagnostics Department
Classification: Likely pathogenic for Congenital disorder of glycosylation with defective fucosylation 2. Last evaluated: 2025-09-17. Review status: criteria provided, single submitter. Criteria: ACMG Guidelines, 2015. Collection method: clinical testing. Allele origin: germline. Inheritance: Autosomal recessive inheritance. Affected: no. Observed: 1 variant allele.

Labcorp Genetics (formerly Invitae), Labcorp
Classification: Likely benign. Last evaluated: 2025-09-11. Review status: criteria provided, single submitter. Criteria: Invitae Variant Classification Sherloc (09022015). Collection method: clinical testing. Allele origin: germline.

OMIM
Classification: Pathogenic for CONGENITAL DISORDER OF GLYCOSYLATION WITH DEFECTIVE FUCOSYLATION 2. Last evaluated: 2019-02-22. Review status: no assertion criteria provided. Collection method: literature only. Allele origin: germline. Not counted in ClinVar's aggregate classification.

Literature cited by the submitters: PubMed 30503518 (cited by OMIM).

NM_145059.3(FCSK):c.2980A>C (p.Lys994Gln)

Gene: FCSK (fucose kinase; plus strand). Cytogenetic location: 16q22.1.
Variant type: single nucleotide variant.
Coding change: c.2980A>C on transcript NM_145059.3 (MANE Select); coding-DNA position 2980, A replaced by C.
Protein change: p.Lys994Gln; replaces lysine 994 with glutamine.
Molecular consequence: missense variant.
Genome position (GRCh38, 1-based): chr16:70,479,230, A>C. VCF-style: chr16-70479230-A-C. GRCh37 (hg19) VCF-style: chr16-70513133-A-C.
Other names: short protein forms K994Q.
Identifiers: ClinVar variation 619035 (VCV000619035.5), dbSNP rs199515460, ClinGen allele CA8143836.